The following is an entry in ClinVar:

NM_001006658.3(CR2):c.1152C>T (p.Thr384=)

Genes: CR2 (complement C3d receptor 2; plus strand), LOC126805994 (BRD4-independent group 4 enhancer GRCh37_chr1:207642622-207643821; plus strand). Cytogenetic location: 1q32.2.
Variant type: single nucleotide variant.
Coding change: c.1152C>T on transcript NM_001006658.3 (MANE Select); coding-DNA position 1152, C replaced by T.
Protein change: p.Thr384=; no amino-acid change (threonine 384 retained).
Molecular consequence: synonymous variant.
Genome position (GRCh38, 1-based): chr1:207,470,029, C>T. VCF-style: chr1-207470029-C-T. GRCh37 (hg19) VCF-style: chr1-207643374-C-T.
Other names: c.1152C>T, p.Thr384= (NM_001877.5).
Identifiers: ClinVar variation 618045 (VCV000618045.50), dbSNP rs145709085, ClinGen allele CA1368638.

ClinVar aggregate classification (germline): Likely benign. Review status: criteria provided, multiple submitters, no conflicts (2 of 4 stars). 5 submissions from 5 submitters: Likely benign (5). Last evaluated 2026-09-01.

Conditions:
Immunodeficiency, common variable, 7. Identifiers: Orphanet 1572, Orphanet 696894, MedGen C3542922, MONDO:0013862, OMIM 614699.

Allele frequency attached by ClinVar (database versions not stated): 1000 Genomes Project 30x 0.00016; 1000 Genomes Project 0.00020; gnomAD exomes 0.00023 and 0.00037; ExAC 0.00028; gnomAD 0.00040 and 0.00041; TOPMed 0.00053; ESP Exome Variant Server 0.00054.
gnomAD v4.1: 600 of 1,613,946 alleles (0.037%); highest among the groups gnomAD compares: Admixed American, 0.06%; no homozygotes.

Submissions (5):

CeGaT Center for Human Genetics Tuebingen
Classification: Likely benign. Last evaluated: 2026-09-01. Review status: criteria provided, single submitter. Criteria: CeGaT Center For Human Genetics Tuebingen Variant Classification Criteria Version 2. Collection method: clinical testing. Allele origin: germline. Affected: yes. Observed: 4 variant alleles.
Comment: CR2: BP4, BP7

Labcorp Genetics (formerly Invitae), Labcorp
Classification: Likely benign for Immunodeficiency, common variable, 7. Last evaluated: 2025-12-18. Review status: criteria provided, single submitter. Criteria: Invitae Variant Classification Sherloc (09022015). Collection method: clinical testing. Allele origin: germline.

Blueprint Genetics
Classification: Likely benign. Last evaluated: 2024-11-22. Review status: criteria provided, single submitter. Criteria: ACMG Guidelines, 2015. Collection method: clinical testing. Allele origin: germline.

Genome-Nilou Lab
Classification: Likely benign for Immunodeficiency, common variable, 7. Last evaluated: 2023-04-11. Review status: criteria provided, single submitter. Criteria: ACMG Guidelines, 2015. Collection method: clinical testing. Allele origin: germline. Affected: no.

ARUP Laboratories, Molecular Genetics and Genomics, ARUP Laboratories
Classification: Likely benign. Last evaluated: 2017-10-06. Review status: criteria provided, single submitter. Criteria: ARUP Molecular Germline Variant Investigation Process. Collection method: clinical testing. Allele origin: germline.
Comment: The p.Thr384Thr variant (rs145709085) does not alter the amino acid sequence of the CR2 protein and computational splice site prediction algorithms do not predict a change in the nearest splice site or creation of a cryptic splice site (Alamut v2.9.0). This variant has not been reported in association with Hypogammaglobulinaemia in the medical literature or in gene specific variation databases. This variant is listed in the Genome Aggregation Database (gnomAD) with an overall population frequency of 0.02 percent (identified on 62 out of 276,758 chromosomes). Based on these observations, the p.Thr384Thr variant is likely to be benign.